The following is an entry in ClinVar:

NM_000214.3(JAG1):c.1653C>A (p.Cys551Ter)

Gene: JAG1 (jagged canonical Notch ligand 1; minus strand). Cytogenetic location: 20p12.2.
Variant type: single nucleotide variant.
Coding change: c.1653C>A on transcript NM_000214.3 (MANE Select); coding-DNA position 1653, C replaced by A.
Protein change: p.Cys551Ter; replaces cysteine 551 with a stop codon.
Molecular consequence: nonsense.
Genome position (GRCh38, 1-based): chr20:10,648,027, G>T on the plus strand (C>A on the coding strand, the complement: JAG1 is on the minus strand). VCF-style: chr20-10648027-G-T. GRCh37 (hg19) VCF-style: chr20-10628675-G-T.
Other names: short protein forms C551*.
Identifiers: ClinVar variation 1341895 (VCV001341895.1), dbSNP rs2122607772, ClinGen allele CA408236848.
Genomic context (GRCh38, chr20:10,648,027, plus strand): 5'-GGGGGTCGTGCGGCAGTGGTCTTTCAGGTGTGAGCAGTTCTTGCCCTCATAGTCCTCGGG[G>T]CACTTGCAGAAATAGTCACTGGCACGGTTGTAGCACTGGGCACCGTTCTGGCAGGGATTA-3'

ClinVar aggregate classification (germline): Pathogenic (1 of 4 stars; one submission).

Conditions:
Alagille syndrome due to a JAG1 point mutation. Also called: HEPATIC DUCTULAR HYPOPLASIA, SYNDROMATIC; JAG1-Related Alagille Syndrome; Alagille Syndrome 1. Identifiers: Orphanet 261619, Orphanet 52, MedGen C1956125, MONDO:0016862, OMIM 118450.

Submission:

New York Genome Center
Classification: Pathogenic for Alagille syndrome due to a JAG1 point mutation. Last evaluated: 2021-03-09. Review status: criteria provided, single submitter. Criteria: NYGC Assertion Criteria 2020. Collection method: clinical testing. Allele origin: de novo. Affected: yes. Observed: 1 heterozygote. Study: CSER-NYCKidSeq.
Comment: The de novo c.1653C>A, p.Cys551Ter nonsense variant in JAG1 has not been reported in the literature. The variant creates a premature stop codon at codon 551 (p.Cys551Ter) of the JAG1 gene and is predicted to cause loss of normal protein function either through protein truncation or nonsense-mediated mRNA decay. Truncating variants in JAG1 are known to be pathogenic [PMID:11180599; PMID:12497640]. Based on the available evidence the variant is classified as pathogenic.